The following is an entry in ClinVar:

ClinVar aggregate classification (germline): Conflicting classifications of pathogenicity. Review status: criteria provided, conflicting classifications (1 of 4 stars). 4 submissions from 4 submitters: Uncertain significance (3); Likely benign (1). Last evaluated 2026-01-19.

Conditions:
Nemaline myopathy 8 (NEM8). Also called: Nemaline myopathy 8, autosomal recessive. Identifiers: Orphanet 171430, MedGen C3809209, MONDO:0014138, OMIM 615348.

Allele frequency attached by ClinVar (database versions not stated): gnomAD exomes 0.00034 and 0.00066; ExAC 0.00082; 1000 Genomes Project 0.00100; gnomAD 0.00167 and 0.00182; TOPMed 0.00190.

Submissions (4):

Labcorp Genetics (formerly Invitae), Labcorp
Classification: Likely benign for Nemaline myopathy 8. Last evaluated: 2026-01-19. Review status: criteria provided, single submitter. Criteria: Invitae Variant Classification Sherloc (09022015). Collection method: clinical testing. Allele origin: germline.

Genomic Medicine Center of Excellence, King Faisal Specialist Hospital and Research Centre
Classification: Uncertain significance for Nemaline myopathy 8. Last evaluated: 2024-10-13. Review status: criteria provided, single submitter. Criteria: ACMG Guidelines, 2015. Collection method: clinical testing. Allele origin: germline.
Comment: This variant (GRCh38; NM_152393.4:c.1762G>A:p.Glu588Lys) results in a missense mutation with the conversion of Glutamate (Acidic amino acid) to Lysine (Basic amino acid) in the KLHL40 protein. This variant has a strong Conservation score. Multiple lines of computational evidence support a deleterious effect on the gene or gene product for this variant. Reputable source recently reports variant as benign. To our knowledge, no experimental evidence demonstrating an impact on protein function has been reported. This variant is associated with the following publications: PubMed: 20301465, 23746549, 27528495, 26754003, 27762439. Based on conflicting evidence or insufficient data to determine whether the variant is benign or pathogenic, the clinical significance of this alteration remains unclear. In summary, this variant meets our criteria for classification as of Unknown Clinical Significance based on the evidence outlined.

CeGaT Center for Human Genetics Tuebingen
Classification: Uncertain significance. Last evaluated: 2021-12-01. Review status: criteria provided, single submitter. Criteria: CeGaT Center For Human Genetics Tuebingen Variant Classification Criteria Version 2. Collection method: clinical testing. Allele origin: germline. Affected: yes. Observed: 1 variant allele.

Department of Pathology and Laboratory Medicine, Sinai Health System
Classification: Uncertain significance for Nemaline myopathy 8. Last evaluated: 2021-07-30. Review status: criteria provided, single submitter. Criteria: ACMG Guidelines, 2015. Collection method: research. Allele origin: germline.

NM_152393.4(KLHL40):c.1762G>A (p.Glu588Lys)

Gene: KLHL40 (kelch like family member 40; plus strand). Cytogenetic location: 3p22.1.
Variant type: single nucleotide variant.
Coding change: c.1762G>A on transcript NM_152393.4 (MANE Select); coding-DNA position 1762, G replaced by A.
Protein change: p.Glu588Lys; replaces glutamic acid 588 with lysine.
Molecular consequence: missense variant.
Genome position (GRCh38, 1-based): chr3:42,691,889, G>A. VCF-style: chr3-42691889-G-A. GRCh37 (hg19) VCF-style: chr3-42733381-G-A.
Other names: short protein forms E588K.
Identifiers: ClinVar variation 474333 (VCV000474333.52), dbSNP rs201856772, ClinGen allele CA2337090.
Genomic context (GRCh38, chr3:42,691,889, plus strand): 5'-GGACTCAGCTGACCAAGCTCTCCATCCTTGTCCCCACTCTCTCTCATCCCCAGGTATAAC[G>A]AGGAGGAGAAGAAATGGGAGGGTGTCCTGCGGGAGATCGCCTATGCAGCAGGTGCCACCT-3'
Protein context (NP_689606.2, residues 578-598): TELNDIWRYN[Glu588Lys]EEKKWEGVLR